The following is an entry in ClinVar:

ClinVar aggregate classification (germline): Benign. Review status: criteria provided, multiple submitters, no conflicts (2 of 4 stars). 3 submissions from 3 submitters: Benign (3). Last evaluated 2018-06-06.

Conditions:
Progressive myoclonic epilepsy type 3. Also called: EPILEPSY, PROGRESSIVE MYOCLONIC, 3, WITHOUT INTRACELLULAR INCLUSIONS; EPILEPSY, PROGRESSIVE MYOCLONIC, 3, WITH OR WITHOUT INTRACELLULAR INCLUSIONS; CEROID LIPOFUSCINOSIS, NEURONAL, 14; KCTD7-Related Progressive Myoclonic Epilepsy. Identifiers: Orphanet 263516, MedGen C2673257, MONDO:0012721, OMIM 611726.

Allele frequency attached by ClinVar (database versions not stated): TOPMed 0.09525; gnomAD 0.10548 and 0.10747; 1000 Genomes Project 30x 0.10884; gnomAD exomes 0.11189; 1000 Genomes Project 0.11282.

Submissions (3):

Blueprint Genetics
Classification: Benign. Last evaluated: 2018-06-06. Review status: criteria provided, single submitter. Criteria: ACMG Guidelines, 2015. Collection method: clinical testing. Allele origin: germline.

Illumina Laboratory Services, Illumina
Classification: Benign for Progressive myoclonic epilepsy type 3. Last evaluated: 2018-01-13. Review status: criteria provided, single submitter. Criteria: ICSL Variant Classification Criteria 13 December 2019. Collection method: clinical testing. Allele origin: germline.
Comment: This variant was observed in the ICSL laboratory as part of a predisposition screen in an ostensibly healthy population. It had not been previously curated by ICSL or reported in the Human Gene Mutation Database (HGMD: prior to June 1st, 2018), and was therefore a candidate for classification through an automated scoring system. Utilizing variant allele frequency, disease prevalence and penetrance estimates, and inheritance mode, an automated score was calculated to assess if this variant is too frequent to cause the disease. Based on the score and internal cut-off values, a variant classified as benign is not then subjected to further curation. The score for this variant resulted in a classification of benign for this disease.

Breakthrough Genomics
Classification: Benign. Review status: criteria provided, single submitter. Criteria: ACMG Guidelines, 2015. Collection method: not provided. Allele origin: germline. Inheritance: Autosomal recessive inheritance. Affected: yes.

NM_153033.5(KCTD7):c.*3752C>G

Gene: KCTD7 (potassium channel tetramerization domain containing 7; plus strand). Cytogenetic location: 7q11.21.
Variant type: single nucleotide variant.
Coding change: c.*3752C>G on transcript NM_153033.5 (MANE Select); 3752 bases downstream of the stop codon, C replaced by G.
Molecular consequence: 3 prime UTR variant.
Genome position (GRCh38, 1-based): chr7:66,642,984, C>G. VCF-style: chr7-66642984-C-G. GRCh37 (hg19) VCF-style: chr7-66107971-C-G.
Other names: c.*2590C>G (NM_001167961.2).
Identifiers: ClinVar variation 360627 (VCV000360627.7), dbSNP rs73133851, ClinGen allele CA10629398.